The following is an entry in ClinVar:

NM_001813.3(CENPE):c.7187G>A (p.Ser2396Asn)

Gene: CENPE (centromere protein E; minus strand). Cytogenetic location: 4q24.
Variant type: single nucleotide variant.
Coding change: c.7187G>A on transcript NM_001813.3 (MANE Select); coding-DNA position 7187, G replaced by A.
Protein change: p.Ser2396Asn; replaces serine 2396 with asparagine.
Molecular consequence: missense variant.
Genome position (GRCh38, 1-based): chr4:103,120,290, C>T on the plus strand (G>A on the coding strand, the complement: CENPE is on the minus strand). VCF-style: chr4-103120290-C-T. GRCh37 (hg19) VCF-style: chr4-104041447-C-T.
Other names: c.6824G>A, p.Ser2275Asn (NM_001286734.2); short protein forms S2275N, S2396N.
Identifiers: ClinVar variation 1032006 (VCV001032006.2), dbSNP rs369337735, ClinGen allele CA3029203.

ClinVar aggregate classification (germline): Uncertain significance. Review status: criteria provided, multiple submitters, no conflicts (2 of 4 stars). 2 submissions from 2 submitters: Uncertain significance (2). Last evaluated 2024-05-29.

Conditions:
Microcephaly 13, primary, autosomal recessive. Identifiers: Orphanet 808, MedGen C4015080, MONDO:0014473, OMIM 616051.

Allele frequency attached by ClinVar (database versions not stated): gnomAD exomes below 0.00001 and 0.00001; TOPMed below 0.00001; ExAC 0.00001.
gnomAD v4.1: 5 of 1,610,012 alleles (0.00031%); highest among the groups gnomAD compares: East Asian, 0.0045%; no homozygotes.

Submissions (2):

Ambry Genetics
Classification: Uncertain significance. Last evaluated: 2024-05-29. Review status: criteria provided, single submitter. Criteria: Ambry Variant Classification Scheme 2023. Collection method: clinical testing. Allele origin: germline.

Baylor Genetics
Classification: Uncertain significance for Microcephaly 13, primary, autosomal recessive. Last evaluated: 2018-05-30. Review status: criteria provided, single submitter. Criteria: ACMG Guidelines, 2015. Collection method: clinical testing. Allele origin: unknown. Affected: yes.
Comment: This variant was determined to be of uncertain significance according to ACMG Guidelines, 2015 [PMID:25741868].